The following is an entry in ClinVar:

ClinVar aggregate classification (germline): Uncertain significance (1 of 4 stars; one submission).

Submission:

Labcorp Genetics (formerly Invitae), Labcorp
Classification: Uncertain significance. Last evaluated: 2021-11-23. Review status: criteria provided, single submitter. Criteria: Invitae Variant Classification Sherloc (09022015). Collection method: clinical testing. Allele origin: germline.
Comment: This sequence change replaces valine, which is neutral and non-polar, with leucine, which is neutral and non-polar, at codon 682 of the DHX38 protein (p.Val682Leu). This variant is not present in population databases (gnomAD no frequency). This variant has not been reported in the literature in individuals affected with DHX38-related conditions. Algorithms developed to predict the effect of missense changes on protein structure and function (SIFT, PolyPhen-2, Align-GVGD) all suggest that this variant is likely to be disruptive. In summary, the available evidence is currently insufficient to determine the role of this variant in disease. Therefore, it has been classified as a Variant of Uncertain Significance.

NM_014003.4(DHX38):c.2044G>C (p.Val682Leu)

Gene: DHX38 (DEAH-box helicase 38; plus strand). Cytogenetic location: 16q22.2.
Variant type: single nucleotide variant.
Coding change: c.2044G>C on transcript NM_014003.4 (MANE Select); coding-DNA position 2044, G replaced by C.
Protein change: p.Val682Leu; replaces valine 682 with leucine.
Molecular consequence: missense variant.
Genome position (GRCh38, 1-based): chr16:72,104,519, G>C. VCF-style: chr16-72104519-G-C. GRCh37 (hg19) VCF-style: chr16-72138418-G-C.
Other names: short protein forms V682L.
Identifiers: ClinVar variation 2132470 (VCV002132470.4), dbSNP rs746331841, ClinGen allele CA396710608.